The following is an entry in ClinVar:

ClinVar aggregate classification (germline): Uncertain significance (1 of 4 stars; one submission).

Submission:

GeneDx
Classification: Uncertain significance. Last evaluated: 2026-03-08. Review status: criteria provided, single submitter. Criteria: GeneDx Variant Classification Process June 2021. Collection method: clinical testing. Allele origin: germline.
Comment: Not observed at significant frequency in large population cohorts (gnomAD); In silico analysis supports that this missense variant has a deleterious effect on protein structure/function; Has not been previously published as pathogenic or benign to our knowledge

NM_005909.5(MAP1B):c.1328G>A (p.Gly443Asp)

Gene: MAP1B (microtubule associated protein 1B; plus strand). Cytogenetic location: 5q13.2.
Variant type: single nucleotide variant.
Coding change: c.1328G>A on transcript NM_005909.5 (MANE Select); coding-DNA position 1328, G replaced by A.
Protein change: p.Gly443Asp; replaces glycine 443 with aspartic acid.
Molecular consequence: missense variant.
Genome position (GRCh38, 1-based): chr5:72,194,683, G>A. VCF-style: chr5-72194683-G-A. GRCh37 (hg19) VCF-style: chr5-71490510-G-A.
Other names: c.950G>A, p.Gly317Asp (NM_001324255.2); short protein forms G317D, G443D.
Identifiers: ClinVar variation 5008841 (VCV005008841.1).
Genomic context (GRCh38, chr5:72,194,683, plus strand): 5'-ATGTGCTTAATCCAGTCAAGAGCAGCAAGGAAATGCAGTATTTTATGCAGCAGTGGACTG[G>A]TACCAACAAAGACAAGGCTGAATTCATTCTGCCTAATGGTCAAGAAGTAGATCTCCCGAT-3'
Protein context (NP_005900.2, residues 433-453): EMQYFMQQWT[Gly443Asp]TNKDKAEFIL